The following is an entry in ClinVar:

ClinVar aggregate classification (germline): Uncertain significance (1 of 4 stars; one submission).

Conditions:
Familial adenomatous polyposis 1 (FAP1). Also called: POLYPOSIS, ADENOMATOUS INTESTINAL; FAMILIAL ADENOMATOUS POLYPOSIS 1, ATTENUATED. Identifiers: MedGen C2713442, MONDO:0021056, OMIM 175100. Disease mechanism: loss of function.

Submission:

Labcorp Genetics (formerly Invitae), Labcorp
Classification: Uncertain significance for Familial adenomatous polyposis 1. Last evaluated: 2022-08-12. Review status: criteria provided, single submitter. Criteria: Invitae Variant Classification Sherloc (09022015). Collection method: clinical testing. Allele origin: germline.
Comment: In summary, the available evidence is currently insufficient to determine the role of this variant in disease. Therefore, it has been classified as a Variant of Uncertain Significance. Experimental studies and prediction algorithms are not available or were not evaluated, and the functional significance of this variant is currently unknown. This variant has not been reported in the literature in individuals affected with APC-related conditions. This variant is not present in population databases (gnomAD no frequency). This variant, c.3465_3470del, results in the deletion of 2 amino acid(s) of the APC protein (p.Glu1156_Glu1157del), but otherwise preserves the integrity of the reading frame.

NM_000038.6(APC):c.3462AGA[1] (p.Glu1156_Glu1157del)

Gene: APC (APC regulator of Wnt signaling pathway; plus strand). Cytogenetic location: 5q22.2.
Variant type: Microsatellite.
Coding change: c.3462AGA[1] on transcript NM_000038.6 (MANE Select); one copy of the 3-base unit AGA starting at c.3462; the reference has three copies in a row; two copies, 6 bases deleted.
Protein change: p.Glu1156_Glu1157del.
Molecular consequence: inframe deletion. On other transcripts: frameshift variant (20).
Genome position (GRCh38, 1-based): chr5:112,839,059-112,839,064, AGAAGA deleted; deleting any 6 consecutive bases within chr5:112,839,054-112,839,064 gives the same sequence; the position shown is the placement nearest the transcript's 3' end. VCF-style (leftmost placement, unchanged base first): chr5-112839053-TGAAGAA-T. GRCh37 (hg19) VCF-style: chr5-112174750-TGAAGAA-T.
Other names: c.3084AGA[1], p.Glu1030_Glu1031del (NM_001354904.2); c.2982AGA[1], p.Glu996_Glu997del (NM_001354905.2); c.2613AGA[1], p.Glu873_Glu874del (NM_001354906.2); c.3546_3548AGA[1], p.Glu1183Aspfs (NM_001407446.1); c.3516_3518AGA[1], p.Glu1173Aspfs (NM_001407447.1, NM_001407448.1, NM_001407449.1); c.3462_3464AGA[1], p.Glu1155Aspfs (NM_001407450.1); c.3441_3443AGA[1], p.Glu1148Aspfs (NM_001407451.1); c.3432_3434AGA[1], p.Glu1145Aspfs (NM_001407452.1); and 16 more.
Identifiers: ClinVar variation 2048903 (VCV002048903.4), dbSNP rs386833391, ClinGen allele CA2580612776.